The following is an entry in ClinVar:

ClinVar aggregate classification (germline): Uncertain significance. Review status: criteria provided, multiple submitters, no conflicts (2 of 4 stars). 3 submissions from 3 submitters: Uncertain significance (3). Last evaluated 2025-02-06.

Conditions:
Hereditary cancer-predisposing syndrome. Also called: Neoplastic Syndromes, Hereditary; Tumor predisposition; Hereditary neoplastic syndrome; Hereditary Cancer Syndrome. Identifiers: Orphanet 140162, MedGen C0027672, MeSH D009386, MONDO:0015356.
Ataxia-telangiectasia syndrome (AT). Also called: Ataxia-telangiectasia, complementation group D; AT, COMPLEMENTATION GROUP C; ATAXIA-TELANGIECTASIA, COMPLEMENTATION GROUP A; ATAXIA-TELANGIECTASIA, FRESNO VARIANT; Ataxia-telangiectasia; LOUIS-BAR SYNDROME. Identifiers: Orphanet 100, MedGen C0004135, MONDO:0008840, OMIM 208900.
Familial cancer of breast. Also called: BREAST CANCER, FAMILIAL; hereditary breast carcinoma; Hereditary breast cancer. Identifiers: Orphanet 227535, MedGen C0346153, MONDO:0016419, OMIM 114480. Disease mechanism: loss of function.

Allele frequency attached by ClinVar (database versions not stated): gnomAD exomes below 0.00001.
gnomAD v4.1: 1 of 1,614,110 alleles (0.000062%); highest among the groups gnomAD compares: Non-Finnish European, 0.000085%; no homozygotes.

Submissions (3):

Labcorp Genetics (formerly Invitae), Labcorp
Classification: Uncertain significance for Ataxia-telangiectasia syndrome. Last evaluated: 2025-02-06. Review status: criteria provided, single submitter. Criteria: Invitae Variant Classification Sherloc (09022015). Collection method: clinical testing. Allele origin: germline.
Comment: This sequence change replaces aspartic acid, which is acidic and polar, with asparagine, which is neutral and polar, at codon 841 of the ATM protein (p.Asp841Asn). This variant is not present in population databases (gnomAD no frequency). This variant has not been reported in the literature in individuals affected with ATM-related conditions. ClinVar contains an entry for this variant (Variation ID: 1792552). Invitae Evidence Modeling of protein sequence and biophysical properties (such as structural, functional, and spatial information, amino acid conservation, physicochemical variation, residue mobility, and thermodynamic stability) indicates that this missense variant is not expected to disrupt ATM protein function with a negative predictive value of 95%. In summary, the available evidence is currently insufficient to determine the role of this variant in disease. Therefore, it has been classified as a Variant of Uncertain Significance.

Baylor Genetics
Classification: Uncertain significance for Familial cancer of breast. Last evaluated: 2023-10-20. Review status: criteria provided, single submitter. Criteria: ACMG Guidelines, 2015. Collection method: clinical testing. Allele origin: unknown.

Ambry Genetics
Classification: Uncertain significance for Hereditary cancer-predisposing syndrome. Last evaluated: 2022-06-04. Review status: criteria provided, single submitter. Criteria: Ambry Variant Classification Scheme 2023. Collection method: clinical testing. Allele origin: germline.
Comment: The p.D841N variant (also known as c.2521G>A), located in coding exon 16 of the ATM gene, results from a G to A substitution at nucleotide position 2521. The aspartic acid at codon 841 is replaced by asparagine, an amino acid with highly similar properties. This amino acid position is well conserved in available vertebrate species. In addition, this alteration is predicted to be tolerated by in silico analysis. Since supporting evidence is limited at this time, the clinical significance of this alteration remains unclear.

NM_000051.4(ATM):c.2521G>A (p.Asp841Asn)

Gene: ATM (ATM serine/threonine kinase; plus strand). Cytogenetic location: 11q22.3.
Variant type: single nucleotide variant.
Coding change: c.2521G>A on transcript NM_000051.4 (MANE Select); coding-DNA position 2521, G replaced by A.
Protein change: p.Asp841Asn; replaces aspartic acid 841 with asparagine.
Molecular consequence: missense variant.
Genome position (GRCh38, 1-based): chr11:108,267,225, G>A. VCF-style: chr11-108267225-G-A. GRCh37 (hg19) VCF-style: chr11-108137952-G-A.
Other names: c.2521G>A, p.Asp841Asn (NM_001351834.2); short protein forms D841N.
Identifiers: ClinVar variation 1792552 (VCV001792552.6), dbSNP rs2135506577, ClinGen allele CA382543479.
Genomic context (GRCh38, chr11:108,267,225, plus strand): 5'-TTGAAGGCATCCTTCATCAAAAAGCCATTTGACCGTGGAGAAGTAGAATCAATGGAAGAT[G>A]ATACTAATGGAAATCTAATGGAGGTGGAGGATCAGTCATCCATGAATCTATTTAACGATT-3'
Protein context (NP_000042.3, residues 831-851): DRGEVESMED[Asp841Asn]TNGNLMEVED